The following is an entry in ClinVar:

ClinVar aggregate classification (germline): Likely benign (0 of 4 stars; one submission).

Conditions:
CD40LG-related disorder. Also called: CD40LG-related condition.

Allele frequency attached by ClinVar (database versions not stated): TOPMed 0.00002; ExAC 0.00003; gnomAD 0.00004; ESP Exome Variant Server 0.00009; gnomAD exomes 0.00013.
gnomAD v4.1: 145 of 1,195,574 alleles (0.012%); highest among the groups gnomAD compares: Non-Finnish European, 0.016%; no homozygotes.

Submission:

PreventionGenetics, part of Exact Sciences
Classification: Likely benign for CD40LG-related condition. Last evaluated: 2019-05-21. Review status: no assertion criteria provided. Collection method: clinical testing. Allele origin: germline.
Comment: This variant is classified as likely benign based on ACMG/AMP sequence variant interpretation guidelines (Richards et al. 2015 PMID: 25741868, with internal and published modifications).

NM_000074.3(CD40LG):c.-6C>T

Gene: CD40LG (CD40 ligand; plus strand). Cytogenetic location: Xq26.3.
Variant type: single nucleotide variant.
Coding change: c.-6C>T on transcript NM_000074.3 (MANE Select); 6 bases upstream of the start codon, C replaced by T.
Molecular consequence: 5 prime UTR variant.
Genome position (GRCh38, 1-based): chrX:136,648,243, C>T. VCF-style: chrX-136648243-C-T. GRCh37 (hg19) VCF-style: chrX-135730402-C-T.
Identifiers: ClinVar variation 3038668 (VCV003038668.2), dbSNP rs371664032, ClinGen allele CA10528060.
Genomic context (GRCh38, chrX:136,648,243, plus strand): 5'-ACAGTCTTCTCATGCTGCCTCTGCCACCTTCTCTGCCAGAAGATACCATTTCAACTTTAA[C>T]ACAGCATGATCGAAACATACAACCAAACTTCTCCCCGATCTGCGGCCACTGGACTGCCCA-3'